The following is an entry in ClinVar:

ClinVar aggregate classification (germline): Likely benign. Review status: criteria provided, multiple submitters, no conflicts (2 of 4 stars). 2 submissions from 2 submitters: Likely benign (2). Last evaluated 2025-05-23.

Conditions:
ABCC8-related disorder.

Allele frequency attached by ClinVar (database versions not stated): TOPMed below 0.00001; ExAC 0.00001; gnomAD 0.00001; gnomAD exomes 0.00001 and 0.00002; 1000 Genomes Project 30x 0.00031; 1000 Genomes Project 0.00040.
gnomAD v4.1: 30 of 1,614,178 alleles (0.0019%); highest among the groups gnomAD compares: Non-Finnish European, 0.0025%; no homozygotes.

Submissions (2):

PreventionGenetics, part of Exact Sciences
Classification: Likely benign for ABCC8-related condition. Last evaluated: 2025-05-23. Review status: criteria provided, single submitter. Criteria: ACMG Guidelines, 2015. Collection method: clinical testing. Allele origin: germline.
Comment: This variant is classified as likely benign based on ACMG/AMP sequence variant interpretation guidelines (Richards et al. 2015 PMID: 25741868, with internal and published modifications).

Labcorp Genetics (formerly Invitae), Labcorp
Classification: Likely benign. Last evaluated: 2023-06-17. Review status: criteria provided, single submitter. Criteria: Invitae Variant Classification Sherloc (09022015). Collection method: clinical testing. Allele origin: germline.

NM_000352.6(ABCC8):c.1434C>T (p.Ala478=)

Gene: ABCC8 (ATP binding cassette subfamily C member 8; minus strand). Cytogenetic location: 11p15.1.
Variant type: single nucleotide variant.
Coding change: c.1434C>T on transcript NM_000352.6 (MANE Select); coding-DNA position 1434, C replaced by T.
Protein change: p.Ala478=; no amino-acid change (alanine 478 retained).
Molecular consequence: synonymous variant. On other transcripts: non-coding transcript variant (1).
Genome position (GRCh38, 1-based): chr11:17,443,211, G>A on the plus strand (C>T on the coding strand, the complement: ABCC8 is on the minus strand). VCF-style: chr11-17443211-G-A. GRCh37 (hg19) VCF-style: chr11-17464758-G-A.
Other names: c.1434C>T, p.Ala478= (NM_001287174.3, NM_001351295.2); c.1434C>T (NM_000352.4); c.1431C>T, p.Ala477= (NM_001351296.2, NM_001351297.2).
Identifiers: ClinVar variation 1469793 (VCV001469793.9), dbSNP rs200303681, ClinGen allele CA5903583.